The following is an entry in ClinVar:

NM_024809.5(TCTN2):c.1234+3A>T

Gene: TCTN2 (tectonic family member 2; plus strand). Cytogenetic location: 12q24.31.
Variant type: single nucleotide variant.
Coding change: c.1234+3A>T on transcript NM_024809.5 (MANE Select); 3 bases into the intron after coding-DNA position 1234, A replaced by T.
Molecular consequence: intron variant.
Genome position (GRCh38, 1-based): chr12:123,694,979, A>T. VCF-style: chr12-123694979-A-T. GRCh37 (hg19) VCF-style: chr12-124179526-A-T.
Other names: c.1100-241A>T (NM_001410989.1); c.1231+3A>T (NM_001143850.3).
Identifiers: ClinVar variation 3893633 (VCV003893633.1).
Genomic context (GRCh38, chr12:123,694,979, plus strand): 5'-ACCATCAGTGAAATAAATGTTAAAATTTTTAGGGCAGAGATTAATGCCCACCAGAAAGGT[A>T]ACTTTGATGAGGGTAGCAAGCATGCTTTCACTGAAAAGTATTTTTTTTTCCTCTTTTCAA-3'

ClinVar aggregate classification (germline): Uncertain significance (1 of 4 stars; one submission).

Submission:

GeneDx
Classification: Uncertain significance. Last evaluated: 2024-10-25. Review status: criteria provided, single submitter. Criteria: GeneDx Variant Classification Process June 2021. Collection method: clinical testing. Allele origin: germline. Affected: yes.
Comment: Not observed at significant frequency in large population cohorts (gnomAD); In silico analysis supports a deleterious effect on splicing; Has not been previously published as pathogenic or benign to our knowledge